The following is an entry in ClinVar:

ClinVar aggregate classification (germline): Uncertain significance (1 of 4 stars; one submission).

Allele frequency attached by ClinVar (database versions not stated): TOPMed below 0.00001; ExAC 0.00002.

Submission:

Labcorp Genetics (formerly Invitae), Labcorp
Classification: Uncertain significance. Last evaluated: 2022-02-22. Review status: criteria provided, single submitter. Criteria: Invitae Variant Classification Sherloc (09022015). Collection method: clinical testing. Allele origin: germline.
Comment: In summary, the available evidence is currently insufficient to determine the role of this variant in disease. Therefore, it has been classified as a Variant of Uncertain Significance. Algorithms developed to predict the effect of missense changes on protein structure and function are either unavailable or do not agree on the potential impact of this missense change (SIFT: "Deleterious"; PolyPhen-2: "Benign"; Align-GVGD: "Class C65"). This variant has not been reported in the literature in individuals affected with NBAS-related conditions. The frequency data for this variant in the population databases is considered unreliable, as metrics indicate poor data quality at this position in the gnomAD database. This sequence change replaces aspartic acid, which is acidic and polar, with glycine, which is neutral and non-polar, at codon 1025 of the NBAS protein (p.Asp1025Gly).

NM_015909.4(NBAS):c.3074A>G (p.Asp1025Gly)

Gene: NBAS (NBAS subunit of NRZ tethering complex; minus strand). Cytogenetic location: 2p24.3.
Variant type: single nucleotide variant.
Coding change: c.3074A>G on transcript NM_015909.4 (MANE Select); coding-DNA position 3074, A replaced by G.
Protein change: p.Asp1025Gly; replaces aspartic acid 1025 with glycine.
Molecular consequence: missense variant. On other transcripts: non-coding transcript variant (1).
Genome position (GRCh38, 1-based): chr2:15,396,473, T>C on the plus strand (A>G on the coding strand, the complement: NBAS is on the minus strand). VCF-style: chr2-15396473-T-C. GRCh37 (hg19) VCF-style: chr2-15536597-T-C.
Other names: short protein forms D1025G.
Identifiers: ClinVar variation 2101960 (VCV002101960.4), dbSNP rs773554913, ClinGen allele CA1536159.